The following is an entry in ClinVar:

ClinVar aggregate classification (germline): Uncertain significance (1 of 4 stars; one submission).

Conditions:
Hereditary cancer-predisposing syndrome. Also called: Neoplastic Syndromes, Hereditary; Tumor predisposition; Hereditary neoplastic syndrome; Hereditary Cancer Syndrome. Identifiers: Orphanet 140162, MedGen C0027672, MeSH D009386, MONDO:0015356.

Submission:

Ambry Genetics
Classification: Uncertain significance for Hereditary cancer-predisposing syndrome. Last evaluated: 2026-07-06. Review status: criteria provided, single submitter. Criteria: Ambry Variant Classification Scheme 2023. Collection method: clinical testing. Allele origin: germline.
Comment: The p.I292M variant (also known as c.876A>G), located in coding exon 8 of the BMPR1A gene, results from an A to G substitution at nucleotide position 876. The isoleucine at codon 292 is replaced by methionine, an amino acid with highly similar properties. This amino acid position is conserved. In addition, this alteration is predicted to be deleterious by in silico analysis. Based on the available evidence, the clinical significance of this variant remains unclear.

NM_004329.3(BMPR1A):c.876A>G (p.Ile292Met)

Gene: BMPR1A (bone morphogenetic protein receptor type 1A; plus strand). Cytogenetic location: 10q23.2.
Variant type: single nucleotide variant.
Coding change: c.876A>G on transcript NM_004329.3 (MANE Select); coding-DNA position 876, A replaced by G.
Protein change: p.Ile292Met; replaces isoleucine 292 with methionine.
Molecular consequence: missense variant. On other transcripts: non-coding transcript variant (3).
Genome position (GRCh38, 1-based): chr10:86,919,179, A>G. VCF-style: chr10-86919179-A-G. GRCh37 (hg19) VCF-style: chr10-88678936-A-G.
Other names: c.876A>G, p.Ile292Met (NM_001406578.1, NM_001406579.1, NM_001406580.1 and 19 more transcripts); c.870A>G, p.Ile290Met (NM_001406583.1); c.792A>G, p.Ile264Met (NM_001406584.1, NM_001406585.1, NM_001406586.1 and 2 more transcripts); c.951A>G, p.Ile317Met (NM_001406559.1); c.924A>G, p.Ile308Met (NM_001406560.1); c.534A>G, p.Ile178Met (NM_001406589.1); short protein forms I290M, I264M, I308M, I178M, I317M, I292M.
Identifiers: ClinVar variation 5032976 (VCV005032976.1).